The following is an entry in ClinVar:

ClinVar aggregate classification (germline): Uncertain significance. Review status: criteria provided, multiple submitters, no conflicts (2 of 4 stars). 2 submissions from 2 submitters: Uncertain significance (2). Last evaluated 2026-06-05.

Conditions:
Autosomal recessive limb-girdle muscular dystrophy type 2E (LGMDR4). Also called: MUSCULAR DYSTROPHY, LIMB-GIRDLE, AUTOSOMAL RECESSIVE 4. Identifiers: Orphanet 119, MedGen C1858593, MONDO:0011423, OMIM 604286. Disease mechanism: Affects gamma-sarcoglycan and also disrupts the integrity of the entire sarcoglycan complex..

gnomAD v4.1: 2 of 1,611,476 alleles (0.00012%); highest among the groups gnomAD compares: South Asian, 0.0022%; no homozygotes.

Submissions (2):

Women's Health and Genetics/Laboratory Corporation of America, LabCorp
Classification: Uncertain significance. Last evaluated: 2026-06-05. Review status: criteria provided, single submitter. Criteria: LabCorp Variant Classification Summary - May 2015. Collection method: clinical testing. Allele origin: germline.
Comment: Variant summary: SGCB c.754-2A>G is located in a canonical splice-site in the last intron and is predicted to affect mRNA splicing resulting in a significantly altered protein due to either exon skipping, shortening, or inclusion of intronic material. Variants that disrupt the consensus splice site are a relatively common cause of aberrant splicing and loss of SGCB function. Several computational tools predict a significant impact on normal splicing: Four predict the variant abolishes a 3' acceptor site. However, these predictions have yet to be confirmed by functional studies. The variant allele was found at a frequency of 4e-06 in 251112 control chromosomes. The available data on variant occurrences in the general population are insufficient to allow any conclusion about variant significance. To our knowledge, no occurrence of c.754-2A>G in individuals affected with SGCB-related conditions and no experimental evidence demonstrating its impact on protein function have been reported. ClinVar contains an entry for this variant (Variation ID: 4808873). Based on the evidence outlined above, the variant was classified as uncertain significance.

Labcorp Genetics (formerly Invitae), Labcorp
Classification: Uncertain significance for Autosomal recessive limb-girdle muscular dystrophy type 2E. Last evaluated: 2025-10-29. Review status: criteria provided, single submitter. Criteria: Invitae Variant Classification Sherloc (09022015). Collection method: clinical testing. Allele origin: germline.
Comment: This sequence change affects an acceptor splice site in intron 5 of the SGCB gene. While this variant is not anticipated to result in nonsense mediated decay, it likely alters RNA splicing and results in a disrupted protein product. This variant is present in population databases (rs112469469, gnomAD 0.003%). This variant has not been reported in the literature in individuals affected with SGCB-related conditions. Variants that disrupt the consensus splice site are a relatively common cause of aberrant splicing (PMID: 17576681, 9536098). Algorithms developed to predict the effect of sequence changes on RNA splicing suggest that this variant may disrupt the consensus splice site. In summary, the available evidence is currently insufficient to determine the role of this variant in disease. Therefore, it has been classified as a Variant of Uncertain Significance.

Literature cited by the submitters: PubMed 17576681 (cited by Labcorp Genetics (formerly Invitae), Labcorp); PubMed 9536098 (cited by Labcorp Genetics (formerly Invitae), Labcorp).

NM_000232.5(SGCB):c.754-2A>G

Gene: SGCB (sarcoglycan beta; minus strand). Cytogenetic location: 4q12.
Variant type: single nucleotide variant.
Coding change: c.754-2A>G on transcript NM_000232.5 (MANE Select); the canonical splice acceptor site of the intron before coding-DNA position 754, A replaced by G.
Molecular consequence: splice acceptor variant.
Genome position (GRCh38, 1-based): chr4:52,024,162, T>C on the plus strand (A>G on the coding strand, the complement: SGCB is on the minus strand). VCF-style: chr4-52024162-T-C. GRCh37 (hg19) VCF-style: chr4-52890328-T-C.
Other names: c.544-2A>G (NM_001440519.1); c.457-2A>G (NM_001440520.1).
Identifiers: ClinVar variation 4808873 (VCV004808873.2).